The following is an entry in ClinVar:

NM_000540.3(RYR1):c.11615A>C (p.Lys3872Thr)

Gene: RYR1 (ryanodine receptor 1; plus strand). Cytogenetic location: 19q13.2.
Variant type: single nucleotide variant.
Coding change: c.11615A>C on transcript NM_000540.3 (MANE Select); coding-DNA position 11615, A replaced by C.
Protein change: p.Lys3872Thr; replaces lysine 3872 with threonine.
Molecular consequence: missense variant.
Genome position (GRCh38, 1-based): chr19:38,537,886, A>C. VCF-style: chr19-38537886-A-C. GRCh37 (hg19) VCF-style: chr19-39028526-A-C.
Other names: c.11600A>C, p.Lys3867Thr (NM_001042723.2); short protein forms K3872T, K3867T.
Identifiers: ClinVar variation 544409 (VCV000544409.14), dbSNP rs753061108, ClinGen allele CA057355.

ClinVar aggregate classification (germline): Uncertain significance. Review status: criteria provided, multiple submitters, no conflicts (2 of 4 stars). 5 submissions from 5 submitters: Uncertain significance (5). Last evaluated 2025-02-06.

Conditions:
RYR1-related disorder. Also called: RYR1-related condition; RYR1-related disorders. Identifiers: MedGen CN239331.
Malignant hyperthermia, susceptibility to, 1 (MHS1). Also called: RYR1-Related Malignant Hyperthermia Susceptibility; Anesthesia related hyperthermia; Malignant hyperpyrexia; Fulminating hyperpyrexia; Pharmacogenic myopathy; Malignant hyperthermia suceptibility 1. Identifiers: Orphanet 423, MedGen C2930980, MONDO:0007783, OMIM 145600.

Allele frequency attached by ClinVar (database versions not stated): gnomAD exomes 0.00001 and 0.00002; ExAC 0.00003; gnomAD 0.00003; TOPMed 0.00003.
gnomAD v4.1: 14 of 1,583,314 alleles (0.00088%); highest among the groups gnomAD compares: African/African-American, 0.0027%; no homozygotes.

Submissions (5):

Labcorp Genetics (formerly Invitae), Labcorp
Classification: Uncertain significance for RYR1-related disorder. Last evaluated: 2025-02-06. Review status: criteria provided, single submitter. Criteria: Invitae Variant Classification Sherloc (09022015). Collection method: clinical testing. Allele origin: germline.
Comment: This sequence change replaces lysine, which is basic and polar, with threonine, which is neutral and polar, at codon 3872 of the RYR1 protein (p.Lys3872Thr). This variant is present in population databases (rs753061108, gnomAD 0.008%). This missense change has been observed in individual(s) with myopathy (PMID: 32236737). ClinVar contains an entry for this variant (Variation ID: 544409). Invitae Evidence Modeling of protein sequence and biophysical properties (such as structural, functional, and spatial information, amino acid conservation, physicochemical variation, residue mobility, and thermodynamic stability) has been performed for this missense variant. However, the output from this modeling did not meet the statistical confidence thresholds required to predict the impact of this variant on RYR1 protein function. In summary, the available evidence is currently insufficient to determine the role of this variant in disease. Therefore, it has been classified as a Variant of Uncertain Significance.

GeneDx
Classification: Uncertain significance. Last evaluated: 2024-12-17. Review status: criteria provided, single submitter. Criteria: GeneDx Variant Classification Process June 2021. Collection method: clinical testing. Allele origin: germline. Affected: yes.
Comment: In silico analysis supports that this missense variant has a deleterious effect on protein structure/function; Not observed at significant frequency in large population cohorts (gnomAD); This variant is associated with the following publications: (PMID: 32236737)

Color Diagnostics, LLC DBA Color Health
Classification: Uncertain significance for Malignant hyperthermia, susceptibility to, 1. Last evaluated: 2024-04-10. Review status: criteria provided, single submitter. Criteria: ACMG Guidelines, 2015. Collection method: clinical testing. Allele origin: germline.
Comment: This missense variant replaces lysine with threonine at codon 3872 of the RYR1 protein. Computational prediction suggests that this variant may have deleterious impact on protein structure and function. To our knowledge, functional studies have not been reported for this variant. This variant has not been reported in individuals affected with RYR1-related disorders in the literature. This variant has been identified in 6/282872 chromosomes in the general population by the Genome Aggregation Database (gnomAD). The available evidence is insufficient to determine the role of this variant in disease conclusively. Therefore, this variant is classified as a Variant of Uncertain Significance.

All of Us Research Program, National Institutes of Health
Classification: Uncertain significance for Malignant hyperthermia, susceptibility to, 1. Last evaluated: 2023-12-01. Review status: criteria provided, single submitter. Criteria: ACMG Guidelines, 2015. Collection method: clinical testing. Allele origin: germline. Inheritance: Autosomal dominant inheritance. Observed: 3 variant alleles, 3 heterozygotes.
Comment: This study involves interpretation of variants in research participants for the purpose of population health screening. Participant phenotype was not available at the time of variant classification. Additional details can be found in publication PMID: 35346344, PMCID: PMC8962531

Revvity Omics, Revvity
Classification: Uncertain significance. Last evaluated: 2019-07-23. Review status: criteria provided, single submitter. Criteria: ACMG Guidelines, 2015. Collection method: clinical testing. Allele origin: germline.

Literature cited by the submitters: PubMed 32236737 (cited by Labcorp Genetics (formerly Invitae), Labcorp).